The following is an entry in ClinVar:

ClinVar aggregate classification (germline): Uncertain significance. Review status: criteria provided, multiple submitters, no conflicts (2 of 4 stars). 5 submissions from 5 submitters: Uncertain significance (5). Last evaluated 2025-08-29.

Conditions:
Inborn genetic diseases. Identifiers: MedGen C0950123, MeSH D030342.
Malignant hyperthermia, susceptibility to, 1 (MHS1). Also called: RYR1-Related Malignant Hyperthermia Susceptibility; Anesthesia related hyperthermia; Malignant hyperpyrexia; Fulminating hyperpyrexia; Pharmacogenic myopathy; Malignant hyperthermia suceptibility 1. Identifiers: Orphanet 423, MedGen C2930980, MONDO:0007783, OMIM 145600.

Submissions (5):

Ambry Genetics
Classification: Uncertain significance for Inborn genetic diseases. Last evaluated: 2025-08-29. Review status: criteria provided, single submitter. Criteria: Ambry Variant Classification Scheme 2023. Collection method: clinical testing. Allele origin: germline.

Color Diagnostics, LLC DBA Color Health
Classification: Uncertain significance for Malignant hyperthermia, susceptibility to, 1. Last evaluated: 2025-06-09. Review status: criteria provided, single submitter. Criteria: ACMG Guidelines, 2015. Collection method: clinical testing. Allele origin: germline.
Comment: This missense variant replaces methionine with valine at codon 1598 of the RYR1 protein. Computational prediction suggests that this variant may not impact protein structure and function. To our knowledge, functional studies have not been reported for this variant. This variant has not been reported in individuals affected with RYR1-related disorders in the literature. This variant has not been identified in the general population by the Genome Aggregation Database (gnomAD). The available evidence is insufficient to determine the role of this variant in disease conclusively. Therefore, this variant is classified as a Variant of Uncertain Significance.

All of Us Research Program, National Institutes of Health
Classification: Uncertain significance for Malignant hyperthermia, susceptibility to, 1. Last evaluated: 2023-05-31. Review status: criteria provided, single submitter. Criteria: ACMG Guidelines, 2015. Collection method: clinical testing. Allele origin: germline. Inheritance: Autosomal dominant inheritance. Observed: 1 variant allele, 1 heterozygote.
Comment: This study involves interpretation of variants in research participants for the purpose of population health screening. Participant phenotype was not available at the time of variant classification. Additional details can be found in publication PMID: 35346344, PMCID: PMC8962531

Revvity Omics, Revvity
Classification: Uncertain significance. Last evaluated: 2021-06-01. Review status: criteria provided, single submitter. Criteria: ACMG Guidelines, 2015. Collection method: clinical testing. Allele origin: germline.

GeneDx
Classification: Uncertain significance. Last evaluated: 2019-02-13. Review status: criteria provided, single submitter. Criteria: GeneDx Variant Classification Process June 2021. Collection method: clinical testing. Allele origin: germline. Affected: yes.
Comment: Not observed in large population cohorts (Lek et al., 2016); In silico analysis, which includes protein predictors and evolutionary conservation, supports that this variant does not alter protein structure/function; Has not been previously published as pathogenic or benign to our knowledge

NM_000540.3(RYR1):c.4792A>G (p.Met1598Val)

Gene: RYR1 (ryanodine receptor 1; plus strand). Cytogenetic location: 19q13.2.
Variant type: single nucleotide variant.
Coding change: c.4792A>G on transcript NM_000540.3 (MANE Select); coding-DNA position 4792, A replaced by G.
Protein change: p.Met1598Val; replaces methionine 1598 with valine.
Molecular consequence: missense variant.
Genome position (GRCh38, 1-based): chr19:38,483,374, A>G. VCF-style: chr19-38483374-A-G. GRCh37 (hg19) VCF-style: chr19-38974014-A-G.
Other names: c.4792A>G, p.Met1598Val (NM_001042723.2); short protein forms M1598V.
Identifiers: ClinVar variation 1305670 (VCV001305670.7), dbSNP rs2145529267, ClinGen allele CA405650467.